The following is an entry in ClinVar:

NM_001042492.3(NF1):c.7416del (p.Met2473fs)

Gene: NF1 (neurofibromin 1; plus strand). Cytogenetic location: 17q11.2.
Variant type: Deletion.
Coding change: c.7416del on transcript NM_001042492.3 (MANE Select); coding-DNA position 7416, one base deleted (T; older notation c.7416delT).
Protein change: p.Met2473fs; shifts the reading frame from methionine 2473.
Molecular consequence: frameshift variant.
Genome position (GRCh38, 1-based): chr17:31,350,277, T deleted. VCF-style (leftmost placement, unchanged base first): chr17-31350276-CT-C. GRCh37 (hg19) VCF-style: chr17-29677294-CT-C.
Other names: c.7353del, p.Met2452fs (NM_000267.4); short protein forms M2452fs, M2473fs.
Identifiers: ClinVar variation 4119079 (VCV004119079.1).

ClinVar aggregate classification (germline): Pathogenic (1 of 4 stars; one submission).

Conditions:
Cardiovascular phenotype. Identifiers: MedGen CN230736.
Hereditary cancer-predisposing syndrome. Also called: Hereditary neoplastic syndrome; Neoplastic Syndromes, Hereditary; Tumor predisposition; Hereditary Cancer Syndrome. Identifiers: Orphanet 140162, MedGen C0027672, MeSH D009386, MONDO:0015356.

Submission:

Ambry Genetics
Classification: Pathogenic for Cardiovascular phenotype; Hereditary cancer-predisposing syndrome. Last evaluated: 2025-07-16. Review status: criteria provided, single submitter. Criteria: Ambry Variant Classification Scheme 2023. Collection method: clinical testing. Allele origin: germline.
Comment: The c.7353delT pathogenic mutation, located in coding exon 49 of the NF1 gene, results from a deletion of one nucleotide at nucleotide position 7353, causing a translational frameshift with a predicted alternate stop codon (p.M2452Wfs*16). This variant is considered to be rare based on population cohorts in the Genome Aggregation Database (gnomAD). This alteration is expected to result in loss of function by premature protein truncation or nonsense-mediated mRNA decay. As such, this alteration is interpreted as a disease-causing mutation.